The following is an entry in ClinVar:

NM_024675.4(PALB2):c.2950dup (p.Leu984fs)

Gene: PALB2 (partner and localizer of BRCA2; minus strand). Cytogenetic location: 16p12.2.
Variant type: Duplication.
Coding change: c.2950dup on transcript NM_024675.4 (MANE Select); coding-DNA position 2950, one base duplicated (C; older notation c.2950dupC).
Protein change: p.Leu984fs; shifts the reading frame from leucine 984.
Molecular consequence: frameshift variant.
Genome position (GRCh38, 1-based): chr16:23,623,015, G duplicated on the plus strand (C on the coding strand, the reverse complement: PALB2 is on the minus strand); the first of 3 consecutive G bases (chr16:23,623,015-23,623,017); duplicating any one gives the same sequence. VCF-style (leftmost placement, unchanged base first): chr16-23623014-A-AG. GRCh37 (hg19) VCF-style: chr16-23634335-A-AG.
Other names: short protein forms L984fs.
Identifiers: ClinVar variation 1171487 (VCV001171487.2), dbSNP rs1966800194, ClinGen allele CA2499223415.

ClinVar aggregate classification (germline): Likely pathogenic (1 of 4 stars; one submission).

Conditions:
Hereditary cancer-predisposing syndrome. Also called: Tumor predisposition; Hereditary neoplastic syndrome; Hereditary Cancer Syndrome; Neoplastic Syndromes, Hereditary. Identifiers: Orphanet 140162, MedGen C0027672, MeSH D009386, MONDO:0015356.

Submission:

Color Diagnostics, LLC DBA Color Health
Classification: Likely pathogenic for Hereditary cancer-predisposing syndrome. Last evaluated: 2020-09-14. Review status: criteria provided, single submitter. Criteria: ACMG Guidelines, 2015. Collection method: clinical testing. Allele origin: germline.
Comment: This variant inserts 1 nucleotide in exon 9 of the PALB2 gene, creating a frameshift and premature translation stop signal. This variant is expected to result in an absent or non-functional protein product. To our knowledge, this variant has not been reported in individuals affected with hereditary cancer in the literature. This variant has not been identified in the general population by the Genome Aggregation Database (gnomAD). Loss of PALB2 function is a known mechanism of disease. Based on the available evidence, this variant is classified as Likely Pathogenic.